The following is an entry in ClinVar:

ClinVar aggregate classification (germline): Conflicting classifications of pathogenicity. Review status: criteria provided, conflicting classifications (1 of 4 stars). 4 submissions from 3 submitters: Uncertain significance (1); Benign (1); Likely benign (2). Last evaluated 2025-11-27.

Conditions:
Retinitis pigmentosa (RP). Identifiers: Orphanet 791, MedGen C0035334, MeSH D012174, MONDO:0019200, OMIM 268000. Inheritance: Autosomal dominant, autosomal recessive and X linked inheritance.
Congenital stationary night blindness autosomal dominant 2. Also called: NIGHT BLINDNESS, CONGENITAL STATIONARY, RAMBUSCH TYPE. Identifiers: Orphanet 215, MedGen C1876182, MONDO:0008099, OMIM 163500.

Allele frequency attached by ClinVar (database versions not stated): TOPMed 0.00011; ESP Exome Variant Server 0.00015.
gnomAD v4.1: 352 of 1,611,522 alleles (0.022%); highest among the groups gnomAD compares: Middle Eastern, 0.15%; no homozygotes.

Submissions (4):

Labcorp Genetics (formerly Invitae), Labcorp
Classification: Likely benign. Last evaluated: 2025-11-27. Review status: criteria provided, single submitter. Criteria: Invitae Variant Classification Sherloc (09022015). Collection method: clinical testing. Allele origin: germline.

Blueprint Genetics
Classification: Likely benign. Last evaluated: 2023-10-27. Review status: criteria provided, single submitter. Criteria: ACMG Guidelines, 2015. Collection method: clinical testing. Allele origin: germline.

Illumina Laboratory Services, Illumina
Classification: Benign for Congenital stationary night blindness autosomal dominant 2. Last evaluated: 2018-01-12. Review status: criteria provided, single submitter. Criteria: ICSL Variant Classification Criteria 13 December 2019. Collection method: clinical testing. Allele origin: germline.
Comment: This variant was observed in the ICSL laboratory as part of a predisposition screen in an ostensibly healthy population. It had not been previously curated by ICSL or reported in the Human Gene Mutation Database (HGMD: prior to June 1st, 2018), and was therefore a candidate for classification through an automated scoring system. Utilizing variant allele frequency, disease prevalence and penetrance estimates, and inheritance mode, an automated score was calculated to assess if this variant is too frequent to cause the disease. Based on the score and internal cut-off values, a variant classified as benign is not then subjected to further curation. The score for this variant resulted in a classification of benign for this disease.

Illumina Laboratory Services, Illumina
Classification: Uncertain significance for Retinitis pigmentosa. Last evaluated: 2018-01-12. Review status: criteria provided, single submitter. Criteria: ICSL Variant Classification Criteria 13 December 2019. Collection method: clinical testing. Allele origin: germline.

NM_000283.4(PDE6B):c.2353-13C>T

Gene: PDE6B (phosphodiesterase 6B; plus strand). Cytogenetic location: 4p16.3.
Variant type: single nucleotide variant.
Coding change: c.2353-13C>T on transcript NM_000283.4 (MANE Select); 13 bases into the intron before coding-DNA position 2353, C replaced by T.
Molecular consequence: intron variant.
Genome position (GRCh38, 1-based): chr4:667,843, C>T. VCF-style: chr4-667843-C-T. GRCh37 (hg19) VCF-style: chr4-661632-C-T.
Other names: c.2353-13C>T (NM_001145291.2); c.1516-13C>T (NM_001379246.1, NM_001379247.1, NM_001145292.2 and 1 more transcripts); c.1198-13C>T (NM_001350155.3).
Identifiers: ClinVar variation 903826 (VCV000903826.12), dbSNP rs369466418, ClinGen allele CA2795034.